The following is an entry in ClinVar:

NM_001104631.2(PDE4D):c.2396C>G (p.Ala799Gly)

Gene: PDE4D (phosphodiesterase 4D; minus strand). Cytogenetic location: 5q11.2.
Variant type: single nucleotide variant.
Coding change: c.2396C>G on transcript NM_001104631.2 (MANE Select); coding-DNA position 2396, C replaced by G.
Protein change: p.Ala799Gly; replaces alanine 799 with glycine.
Molecular consequence: missense variant.
Genome position (GRCh38, 1-based): chr5:58,974,698, G>C on the plus strand (C>G on the coding strand, the complement: PDE4D is on the minus strand). VCF-style: chr5-58974698-G-C. GRCh37 (hg19) VCF-style: chr5-58270525-G-C.
Other names: c.2396C>G (NM_001104631.1); c.2213C>G, p.Ala738Gly (NM_001165899.2, NM_001364599.1); c.2204C>G, p.Ala735Gly (NM_001197218.2); c.2030C>G, p.Ala677Gly (NM_001197219.2); c.2006C>G, p.Ala669Gly (NM_001197220.2); c.1490C>G, p.Ala497Gly (NM_001197221.2, NM_001364603.1); c.1724C>G, p.Ala575Gly (NM_001197222.2); c.1523C>G, p.Ala508Gly (NM_001197223.2); and 4 more; short protein forms A508G, A543G, A663G, A799G, A669G, A735G, A497G, A677G.
Identifiers: ClinVar variation 2077615 (VCV002077615.6), dbSNP rs575611627, ClinGen allele CA3275895.

ClinVar aggregate classification (germline): Benign. Review status: criteria provided, single submitter (1 of 4 stars). 2 submissions from 2 submitters: Benign (1). 1 of the submissions does not count toward it. Last evaluated 2025-04-07.

Conditions:
PDE4D-related disorder. Also called: PDE4D-related condition.

Allele frequency attached by ClinVar (database versions not stated): gnomAD 0.00015; 1000 Genomes Project 30x 0.00016; 1000 Genomes Project 0.00020.
gnomAD v4.1: 381 of 1,607,144 alleles (0.024%); highest among the groups gnomAD compares: South Asian, 0.33%; 3 homozygotes.

Submissions (2):

Labcorp Genetics (formerly Invitae), Labcorp
Classification: Benign. Last evaluated: 2025-04-07. Review status: criteria provided, single submitter. Criteria: Invitae Variant Classification Sherloc (09022015). Collection method: clinical testing. Allele origin: germline.

PreventionGenetics, part of Exact Sciences
Classification: Likely benign for PDE4D-related condition. Last evaluated: 2019-11-13. Review status: no assertion criteria provided. Collection method: clinical testing. Allele origin: germline. Not counted in ClinVar's aggregate classification.
Comment: This variant is classified as likely benign based on ACMG/AMP sequence variant interpretation guidelines (Richards et al. 2015 PMID: 25741868, with internal and published modifications).